The following is an entry in ClinVar:

ClinVar aggregate classification (germline): Uncertain significance (1 of 4 stars; one submission).

Conditions:
COL10A1-related disorder. Also called: COL10A1-related condition.

Submission:

PreventionGenetics, part of Exact Sciences
Classification: Uncertain significance for COL10A1-related condition. Last evaluated: 2025-12-18. Review status: criteria provided, single submitter. Criteria: ACMG Guidelines, 2015. Collection method: clinical testing. Allele origin: germline.
Comment: The COL10A1 c.23delT variant is predicted to result in a frameshift and premature protein termination (p.Leu8Cysfs*3). To our knowledge, this variant has not been reported in the literature or in a large population database (gnomAD), indicating it is rare. This variant occurs in the 5' portion of COL10A1, in a region that has little evidence supporting premature termination as a mechanism of disease. Although we suspect that this variant may be pathogenic, at this time, the clinical significance is uncertain due to the absence of conclusive functional and genetic evidence.

NM_000493.4(COL10A1):c.23del (p.Leu8fs)

Genes: COL10A1 (collagen type X alpha 1 chain; minus strand), NT5DC1 (5'-nucleotidase domain containing 1; plus strand). Cytogenetic location: 6q22.1.
Variant type: Deletion.
Coding change: c.23del on transcript NM_000493.4 (MANE Select); coding-DNA position 23, one base deleted (T; older notation c.23delT).
Protein change: p.Leu8fs; shifts the reading frame from leucine 8.
Molecular consequence: frameshift variant. On other transcripts: intron variant (1).
Genome position (GRCh38, 1-based): chr6:116,125,470, A deleted on the plus strand (T on the coding strand, the reverse complement: COL10A1 is on the minus strand); the first of 5 consecutive A bases (chr6:116,125,470-116,125,474); deleting any one gives the same sequence. VCF-style (leftmost placement, unchanged base first): chr6-116125469-CA-C. GRCh37 (hg19) VCF-style: chr6-116446632-CA-C.
Other names: c.23del, p.Leu8fs (NM_001424106.1, NM_001424107.1); c.529+7529del (NM_152729.3); short protein forms L8fs.
Identifiers: ClinVar variation 3347916 (VCV003347916.2).